The following is an entry in ClinVar:

NM_144573.4(NEXN):c.1415C>G (p.Ala472Gly)

Gene: NEXN (nexilin F-actin binding protein; plus strand). Cytogenetic location: 1p31.1.
Variant type: single nucleotide variant.
Coding change: c.1415C>G on transcript NM_144573.4 (MANE Select); coding-DNA position 1415, C replaced by G.
Protein change: p.Ala472Gly; replaces alanine 472 with glycine.
Molecular consequence: missense variant.
Genome position (GRCh38, 1-based): chr1:77,935,986, C>G. VCF-style: chr1-77935986-C-G. GRCh37 (hg19) VCF-style: chr1-78401671-C-G.
Other names: c.1223C>G, p.Ala408Gly (NM_001172309.2); short protein forms A472G, A408G.
Identifiers: ClinVar variation 229054 (VCV000229054.18), dbSNP rs539665448, ClinGen allele CA918874.
Genomic context (GRCh38, chr1:77,935,986, plus strand): 5'-TTGAAAAAATTGGACAGTTGTCTGAAAAAGAAATACAGAAAAAAATAGAAGAAGAGCGAG[C>G]AAGAAGGAGAGCAATTGACCTTGAAATTAAAGAGCGAGAAGCTGAAAATTTTCATGAGGT-3'
Protein context (NP_653174.3, residues 462-482): EIQKKIEEER[Ala472Gly]RRRAIDLEIK

ClinVar aggregate classification (germline): Conflicting classifications of pathogenicity. Review status: criteria provided, conflicting classifications (1 of 4 stars). 6 submissions from 6 submitters: Uncertain significance (5); Likely benign (1). Last evaluated 2025-07-17.

Conditions:
Cardiovascular phenotype. Identifiers: MedGen CN230736.
Dilated cardiomyopathy 1CC (CMD1CC). Identifiers: Orphanet 154, MedGen C2751084, MONDO:0013147, OMIM 613122.
Hypertrophic cardiomyopathy 20. Identifiers: MedGen C3151267, MONDO:0013477, OMIM 613876.

Allele frequency attached by ClinVar (database versions not stated): gnomAD 0.00001; ExAC 0.00003; gnomAD exomes 0.00004; TOPMed 0.00005; 1000 Genomes Project 30x 0.00016; 1000 Genomes Project 0.00020.
gnomAD v4.1: 49 of 1,613,790 alleles (0.003%); highest among the groups gnomAD compares: Admixed American, 0.022%; no homozygotes.

Submissions (6):

Ambry Genetics
Classification: Uncertain significance for Cardiovascular phenotype. Last evaluated: 2025-07-17. Review status: criteria provided, single submitter. Criteria: Ambry Variant Classification Scheme 2023. Collection method: clinical testing. Allele origin: germline.
Comment: The p.A472G variant (also known as c.1415C>G), located in coding exon 10 of the NEXN gene, results from a C to G substitution at nucleotide position 1415. The alanine at codon 472 is replaced by glycine, an amino acid with similar properties. This amino acid position is highly conserved in available vertebrate species. In addition, this alteration is predicted to be tolerated by in silico analysis. Based on the available evidence, the clinical significance of this variant remains unclear.

Mayo Clinic Laboratories, Mayo Clinic
Classification: Uncertain significance. Last evaluated: 2024-06-13. Review status: criteria provided, single submitter. Criteria: ACMG Guidelines, 2015. Collection method: clinical testing. Allele origin: germline. Observed: 1 variant allele.
Comment: BP4

Blueprint Genetics
Classification: Likely benign. Last evaluated: 2024-03-14. Review status: criteria provided, single submitter. Criteria: ACMG Guidelines, 2015. Collection method: clinical testing. Allele origin: germline.

Labcorp Genetics (formerly Invitae), Labcorp
Classification: Uncertain significance for Dilated cardiomyopathy 1CC; Hypertrophic cardiomyopathy 20. Last evaluated: 2022-07-06. Review status: criteria provided, single submitter. Criteria: Invitae Variant Classification Sherloc (09022015). Collection method: clinical testing. Allele origin: germline.
Comment: This sequence change replaces alanine, which is neutral and non-polar, with glycine, which is neutral and non-polar, at codon 472 of the NEXN protein (p.Ala472Gly). This variant is present in population databases (rs539665448, gnomAD 0.03%). This missense change has been observed in individual(s) with left ventricular noncompaction (PMID: 28798025). ClinVar contains an entry for this variant (Variation ID: 229054). Algorithms developed to predict the effect of missense changes on protein structure and function are either unavailable or do not agree on the potential impact of this missense change (SIFT: "Deleterious"; PolyPhen-2: "Possibly Damaging"; Align-GVGD: "Class C0"). In summary, the available evidence is currently insufficient to determine the role of this variant in disease. Therefore, it has been classified as a Variant of Uncertain Significance.

Fulgent Genetics
Classification: Uncertain significance for Dilated cardiomyopathy 1CC; Hypertrophic cardiomyopathy 20. Last evaluated: 2021-10-05. Review status: criteria provided, single submitter. Criteria: ACMG Guidelines, 2015. Collection method: clinical testing. Allele origin: unknown.

Laboratory for Molecular Medicine, Mass General Brigham Personalized Medicine
Classification: Uncertain significance. Last evaluated: 2015-04-01. Review status: criteria provided, single submitter. Criteria: LMM Criteria. Collection method: clinical testing. Allele origin: germline. Observed: 4 variant alleles.
Comment: The p.Ala472Gly variant in NEXN has not been previously reported in individuals with cardiomyopathy, but has been identified in 2/11546 of Latino chromosomes by the Exome Aggregation Consortium (ExAC). Comput ational prediction tools and conservation analysis do not provide strong support for or against an impact to the protein. In summary, the clinical significance of the p.Ala472Gly variant is uncertain.

Literature cited by the submitters: PubMed 28798025 (cited by 3 submitters).